The following is an entry in ClinVar:

ClinVar aggregate classification (germline): Likely pathogenic (1 of 4 stars; one submission).

Conditions:
Autosomal recessive Alport syndrome (ATS2). Also called: Alport syndrome type 2; COL4A4 Alport Syndrome and Thin Basement Membrane Nephropathy; ALPORT SYNDROME 2, AUTOSOMAL RECESSIVE; COL4A3-Related Nephropathy. Identifiers: Orphanet 63, Orphanet 88919, MedGen C4746745, MONDO:0008762, OMIM 203780.

Submission:

Myriad Genetics, Inc.
Classification: Likely pathogenic for Autosomal recessive Alport syndrome. Last evaluated: 2022-05-30. Review status: criteria provided, single submitter. Criteria: Myriad Women's Health Autosomal Recessive and X-Linked Classification Criteria (2021). Collection method: clinical testing. Allele origin: unknown.
Comment: NM_000092.4(COL4A4):c.727G>T(G243*) is expected to be pathogenic in the context of COL4A4-related Alport syndrome. This variant is predicted to lead to an abnormal or absent protein product due to the creation of a premature termination codon in COL4A4, a gene where loss-of-function variants are known to be pathogenic. Please note: this variant was assessed in the context of healthy population screening.

NM_000092.5(COL4A4):c.727G>T (p.Gly243Ter)

Gene: COL4A4 (collagen type IV alpha 4 chain; minus strand). Cytogenetic location: 2q36.3.
Variant type: single nucleotide variant.
Coding change: c.727G>T on transcript NM_000092.5 (MANE Select); coding-DNA position 727, G replaced by T.
Protein change: p.Gly243Ter; replaces glycine 243 with a stop codon.
Molecular consequence: nonsense.
Genome position (GRCh38, 1-based): chr2:227,108,589, C>A on the plus strand (G>T on the coding strand, the complement: COL4A4 is on the minus strand). VCF-style: chr2-227108589-C-A. GRCh37 (hg19) VCF-style: chr2-227973305-C-A.
Other names: short protein forms G243*.
Identifiers: ClinVar variation 1726241 (VCV001726241.2), dbSNP rs2475772649, ClinGen allele CA350859170.
Genomic context (GRCh38, chr2:227,108,589, plus strand): 5'-AGCAGCACACACACGTCACCATCTGCTCCTCAGAGCAAGAGGGAATTCTTACCGGGTCTC[C>A]CATTTGCCCCTTTACTCCCACACCGGGATTTCCCTGAGAAAGAAATGAAAAAGAATCTAA-3'